The following is an entry in ClinVar:

NM_001260.3(CDK8):c.1080G>A (p.Thr360=)

Gene: CDK8 (cyclin dependent kinase 8; plus strand). Cytogenetic location: 13q12.13.
Variant type: single nucleotide variant.
Coding change: c.1080G>A on transcript NM_001260.3 (MANE Select); coding-DNA position 1080, G replaced by A.
Protein change: p.Thr360=; no amino-acid change (threonine 360 retained).
Molecular consequence: synonymous variant.
Genome position (GRCh38, 1-based): chr13:26,401,317, G>A. VCF-style: chr13-26401317-G-A. GRCh37 (hg19) VCF-style: chr13-26975454-G-A.
Other names: c.561G>A, p.Thr187= (NM_001346501.2); c.1080G>A, p.Thr360= (NM_001318368.2).
Identifiers: ClinVar variation 3049812 (VCV003049812.17), dbSNP rs140567276, ClinGen allele CA6924613.

ClinVar aggregate classification (germline): Likely benign. Review status: criteria provided, single submitter (1 of 4 stars). 2 submissions from 2 submitters: Likely benign (1). 1 of the submissions does not count toward it. Last evaluated 2026-05-01.

Conditions:
CDK8-related disorder. Also called: CDK8-related condition.

Allele frequency attached by ClinVar (database versions not stated): gnomAD exomes 0.00007; ExAC 0.00021; gnomAD 0.00055; ESP Exome Variant Server 0.00062; TOPMed 0.00071.
gnomAD v4.1: 189 of 1,613,928 alleles (0.012%); highest among the groups gnomAD compares: African/African-American, 0.17%; no homozygotes.

Submissions (2):

CeGaT Center for Human Genetics Tuebingen
Classification: Likely benign. Last evaluated: 2026-05-01. Review status: criteria provided, single submitter. Criteria: CeGaT Center For Human Genetics Tuebingen Variant Classification Criteria Version 2. Collection method: clinical testing. Allele origin: germline. Affected: yes. Observed: 2 variant alleles.
Comment: CDK8: BP4, BP7

PreventionGenetics, part of Exact Sciences
Classification: Likely benign for CDK8-related condition. Last evaluated: 2019-07-11. Review status: no assertion criteria provided. Collection method: clinical testing. Allele origin: germline. Not counted in ClinVar's aggregate classification.
Comment: This variant is classified as likely benign based on ACMG/AMP sequence variant interpretation guidelines (Richards et al. 2015 PMID: 25741868, with internal and published modifications).